The following is an entry in ClinVar:

ClinVar aggregate classification (germline): Uncertain significance (1 of 4 stars; one submission).

Conditions:
BDNF-related disorder. Also called: BDNF-related condition.

gnomAD v4.1: 3 of 1,614,052 alleles (0.00019%); highest among the groups gnomAD compares: African/African-American, 0.0027%; no homozygotes.

Submission:

PreventionGenetics, part of Exact Sciences
Classification: Uncertain significance for BDNF-related condition. Last evaluated: 2023-04-15. Review status: criteria provided, single submitter. Criteria: ACMG Guidelines, 2015. Collection method: clinical testing. Allele origin: germline.
Comment: The BDNF c.338G>A variant is predicted to result in the amino acid substitution p.Gly113Asp. To our knowledge, this variant has not been reported in the literature. This variant is reported in 0.0080% of alleles in individuals of African descent in gnomAD. At this time, the clinical significance of this variant is uncertain due to the absence of conclusive functional and genetic evidence.

NM_001709.5(BDNF):c.92G>A (p.Gly31Asp)

Genes: BDNF (brain derived neurotrophic factor; minus strand), BDNF-AS (BDNF antisense RNA; plus strand). Cytogenetic location: 11p14.1.
Variant type: single nucleotide variant.
Coding change: c.92G>A on transcript NM_001709.5 (MANE Select); coding-DNA position 92, G replaced by A.
Protein change: p.Gly31Asp; replaces glycine 31 with aspartic acid.
Molecular consequence: missense variant.
Genome position (GRCh38, 1-based): chr11:27,658,473, C>T on the plus strand (G>A on the coding strand, the complement: BDNF is on the minus strand). VCF-style: chr11-27658473-C-T. GRCh37 (hg19) VCF-style: chr11-27680020-C-T.
Other names: c.92G>A, p.Gly31Asp (NM_001143805.1, NM_001143806.1, NM_001143807.2 and 9 more transcripts); c.179G>A, p.Gly60Asp (NM_001143809.2); c.338G>A, p.Gly113Asp (NM_001143810.2); c.116G>A, p.Gly39Asp (NM_170731.5); c.137G>A, p.Gly46Asp (NM_170734.4); short protein forms G113D, G31D, G39D, G46D, G60D.
Identifiers: ClinVar variation 2634388 (VCV002634388.1), dbSNP rs767681787, ClinGen allele CA5929143.